The following is an entry in ClinVar:

NM_001165963.4(SCN1A):c.468T>G (p.Asn156Lys)

Gene: SCN1A (sodium voltage-gated channel alpha subunit 1; minus strand). Cytogenetic location: 2q24.3.
Variant type: single nucleotide variant.
Coding change: c.468T>G on transcript NM_001165963.4 (MANE Select); coding-DNA position 468, T replaced by G.
Protein change: p.Asn156Lys; replaces asparagine 156 with lysine.
Molecular consequence: missense variant. On other transcripts: 5 prime UTR variant (1), non-coding transcript variant (1).
Genome position (GRCh38, 1-based): chr2:166,056,416, A>C on the plus strand (T>G on the coding strand, the complement: SCN1A is on the minus strand). VCF-style: chr2-166056416-A-C. GRCh37 (hg19) VCF-style: chr2-166912926-A-C.
Other names: c.468T>G, p.Asn156Lys (NM_001165964.3, NM_001202435.3, NM_001353948.2 and 10 more transcripts); c.-1958T>G (NM_001353961.2); short protein forms N156K.
Identifiers: ClinVar variation 933620 (VCV000933620.10), dbSNP rs1250844959, ClinGen allele CA349075837.

ClinVar aggregate classification (germline): Uncertain significance (1 of 4 stars; one submission).

Conditions:
Early-infantile DEE. Also called: Early infantile epileptic encephalopathy; Early infantile epileptic encephalopathy with suppression bursts; Ohtahara syndrome. Identifiers: Orphanet 1934, MedGen C0393706, MONDO:0800491.

Submission:

Labcorp Genetics (formerly Invitae), Labcorp
Classification: Uncertain significance for Early-infantile DEE. Last evaluated: 2019-07-28. Review status: criteria provided, single submitter. Criteria: Invitae Variant Classification Sherloc (09022015). Collection method: clinical testing. Allele origin: germline.
Comment: This sequence change replaces asparagine with lysine at codon 156 of the SCN1A protein (p.Asn156Lys). The asparagine residue is highly conserved and there is a moderate physicochemical difference between asparagine and lysine. In summary, the available evidence is currently insufficient to determine the role of this variant in disease. Therefore, it has been classified as a Variant of Uncertain Significance. Algorithms developed to predict the effect of missense changes on protein structure and function are either unavailable or do not agree on the potential impact of this missense change (SIFT: "Deleterious"; PolyPhen-2: "Benign"; Align-GVGD: "Class C65"). This variant has not been reported in the literature in individuals with SCN1A-related conditions. This variant is not present in population databases (ExAC no frequency).